The following is an entry in ClinVar:

ClinVar aggregate classification (germline): Uncertain significance. Review status: criteria provided, multiple submitters, no conflicts (2 of 4 stars). 6 submissions from 6 submitters: Uncertain significance (6). Last evaluated 2025-12-08.

Conditions:
Spinocerebellar ataxia type 28 (SCA28). Also called: Spinocerebellar Ataxia Type 28 (SCA28). Identifiers: Orphanet 101109, MedGen C1853249, MONDO:0012450, OMIM 610246.
Spastic ataxia 5. Also called: Spastic Ataxia Type 5 (SPAX5). Identifiers: Orphanet 313772, MedGen C3280977, MONDO:0013776, OMIM 614487.
Optic atrophy 12. Also called: Optic Atrophy Type 12 (OPA12). Identifiers: MedGen C5436534, MONDO:0033549, OMIM 618977.

Submissions (6):

Labcorp Genetics (formerly Invitae), Labcorp
Classification: Uncertain significance. Last evaluated: 2025-12-08. Review status: criteria provided, single submitter. Criteria: Invitae Variant Classification Sherloc (09022015). Collection method: clinical testing. Allele origin: germline.
Comment: This sequence change replaces proline, which is neutral and non-polar, with alanine, which is neutral and non-polar, at codon 688 of the AFG3L2 protein (p.Pro688Ala). This variant is not present in population databases (gnomAD no frequency). This missense change has been observed in individuals with clinical features of autosomal dominant AFG3L2-related conditions (PMID: 29915382, 35588347; internal data). ClinVar contains an entry for this variant (Variation ID: 210103). Invitae Evidence Modeling of protein sequence and biophysical properties (such as structural, functional, and spatial information, amino acid conservation, physicochemical variation, residue mobility, and thermodynamic stability) has been performed for this missense variant. However, the output from this modeling did not meet the statistical confidence thresholds required to predict the impact of this variant on AFG3L2 protein function. This variant disrupts the p.Pro688 amino acid residue in AFG3L2. Other variant(s) that disrupt this residue have been observed in individuals with AFG3L2-related conditions (PMID: 26868664), which suggests that this may be a clinically significant amino acid residue. In summary, the available evidence is currently insufficient to determine the role of this variant in disease. Therefore, it has been classified as a Variant of Uncertain Significance.

Mayo Clinic Laboratories, Mayo Clinic
Classification: Uncertain significance. Last evaluated: 2024-11-19. Review status: criteria provided, single submitter. Criteria: ACMG Guidelines, 2015. Collection method: clinical testing. Allele origin: germline. Observed: 1 variant allele.
Comment: PM2_supporting

GeneDx
Classification: Uncertain significance. Last evaluated: 2024-08-25. Review status: criteria provided, single submitter. Criteria: GeneDx Variant Classification Process June 2021. Collection method: clinical testing. Allele origin: germline. Affected: yes.
Comment: Previously reported in the heterozygous state in individuals with ataxia and/or cerebellar atrophy; however, familial segregation information was not reported (PMID: 28444220, 29915382, 35588347); In silico analysis supports that this missense variant has a deleterious effect on protein structure/function; Not observed at significant frequency in large population cohorts (gnomAD); This variant is associated with the following publications: (PMID: 29915382, 35588347, 28444220)

Women's Health and Genetics/Laboratory Corporation of America, LabCorp
Classification: Uncertain significance. Last evaluated: 2021-11-18. Review status: criteria provided, single submitter. Criteria: LabCorp Variant Classification Summary - May 2015. Collection method: clinical testing. Allele origin: germline.
Comment: Variant summary: AFG3L2 c.2062C>G (p.Pro688Ala) results in a non-conservative amino acid change in the encoded protein sequence. Five of five in-silico tools predict a damaging effect of the variant on protein function. The variant was absent in 251476 control chromosomes. c.2062C>G has been reported in the literature as a heterozygous genotype in at-least three comprehensively genotyped and clinically evaluated individuals affected with Spinocerebellar Ataxia Type 28 (example, Sun_2019, Coutelier_2017). The variant segregated with disease in at-least one family reporting an affected mother and brother and inheritance from the affected mother to the affected proband with cerebellar atrophy and hyperreflexia, who underwent a comprehensive NGS based work up on a panel of 441 genes implicated in pure forms of cerebellar ataxia (Sun_2019). One of these individuals also displayed a T1-weighted sagittal and axial brain MRI showing slight vermian atrophy and underwent a NGS based workup on a panel of 65 genes involved in ataxia (Coutelier_2017). These data indicate that the variant may be associated with disease. To our knowledge, no experimental evidence demonstrating an impact on protein function has been reported. One clinical diagnostic laboratory has submitted clinical-significance assessments for this variant to ClinVar after 2014 and classified the variant as uncertain significance citing overlapping evidence utilized in the context of this evaluation. Based on the evidence outlined above, until additional clinical cases supported by concrete functional studies are reported, the variant was classified as VUS-possibly pathogenic.

Athena Diagnostics
Classification: Uncertain significance. Last evaluated: 2021-05-12. Review status: criteria provided, single submitter. Criteria: Athena Diagnostics criteria. Collection method: clinical testing. Allele origin: unknown.

Genetic Services Laboratory, University of Chicago
Classification: Uncertain significance. Last evaluated: 2014-09-11. Review status: criteria provided, single submitter. Criteria: ACMG Guidelines, 2015. Collection method: clinical testing. Allele origin: germline.

Literature cited by the submitters: PubMed 29915382 (cited by 4 submitters); PubMed 35588347 (cited by Labcorp Genetics (formerly Invitae), Labcorp); PubMed 26868664 (cited by Labcorp Genetics (formerly Invitae), Labcorp); PubMed 28444220 (cited by 3 submitters); PubMed 38012514 (cited by Mayo Clinic Laboratories, Mayo Clinic).

NM_006796.3(AFG3L2):c.2062C>G (p.Pro688Ala)

Gene: AFG3L2 (AFG3 like matrix AAA peptidase subunit 2; minus strand). Cytogenetic location: 18p11.21.
Variant type: single nucleotide variant.
Coding change: c.2062C>G on transcript NM_006796.3 (MANE Select); coding-DNA position 2062, C replaced by G.
Protein change: p.Pro688Ala; replaces proline 688 with alanine.
Molecular consequence: missense variant.
Genome position (GRCh38, 1-based): chr18:12,337,454, G>C on the plus strand (C>G on the coding strand, the complement: AFG3L2 is on the minus strand). VCF-style: chr18-12337454-G-C. GRCh37 (hg19) VCF-style: chr18-12337453-G-C.
Other names: p.Pro688Ala; short protein forms P688A.
Identifiers: ClinVar variation 210103 (VCV000210103.12), dbSNP rs797045221, ClinGen allele CA208922.
Genomic context (GRCh38, chr18:12,337,454, plus strand): 5'-CATCATTAATAAGTATTCGTACTTCATCATCTATCAATCTTGCAGTGGCTTCACTGTAAG[G>C]TTTCTCCAATACCATGTCCCCCTGACGTGGGAGGTCAAAGGAGATTTGCCCAACCTTTTC-3'
Protein context (NP_006787.2, residues 678-698): PRQGDMVLEK[Pro688Ala]YSEATARLID